The following is an entry in ClinVar:

ClinVar aggregate classification (germline): Uncertain significance (1 of 4 stars; one submission).

Submission:

Women's Health and Genetics/Laboratory Corporation of America, LabCorp
Classification: Uncertain significance. Last evaluated: 2026-02-03. Review status: criteria provided, single submitter. Criteria: LabCorp Variant Classification Summary - May 2015. Collection method: clinical testing. Allele origin: germline.
Comment: Variant summary: TNXB c.10400G>C (p.Trp3467Ser) results in a non-conservative amino acid change in the encoded protein sequence. Algorithms developed to predict the effect of missense changes on protein structure and function all suggest that this variant is likely to be disruptive. The variant was absent in 243280 control chromosomes. The available data on variant occurrences in the general population are insufficient to allow any conclusion about variant significance. To our knowledge, no occurrence of c.10400G>C in individuals affected with TNXB-related conditions and no experimental evidence demonstrating its impact on protein function have been reported. No submitters have cited clinical-significance assessments for this variant to ClinVar. Based on the evidence outlined above, the variant was classified as uncertain significance.

NM_001365276.2(TNXB):c.10406G>C (p.Trp3469Ser)

Gene: TNXB (tenascin XB; minus strand). Cytogenetic location: 6p21.33.
Variant type: single nucleotide variant.
Coding change: c.10406G>C on transcript NM_001365276.2 (MANE Select); coding-DNA position 10406, G replaced by C.
Protein change: p.Trp3469Ser; replaces tryptophan 3469 with serine.
Molecular consequence: missense variant.
Genome position (GRCh38, 1-based): chr6:32,046,375, C>G on the plus strand (G>C on the coding strand, the complement: TNXB is on the minus strand). VCF-style: chr6-32046375-C-G. GRCh37 (hg19) VCF-style: chr6-32014152-C-G.
Other names: c.11147G>C, p.Trp3716Ser (NM_001428335.1); c.10400G>C, p.Trp3467Ser (NM_019105.8); short protein forms W3467S, W3469S, W3716S.
Identifiers: ClinVar variation 4848101 (VCV004848101.1).